The following is an entry in ClinVar:

ClinVar aggregate classification (germline): Likely benign (1 of 4 stars; one submission).

Submission:

CeGaT Center for Human Genetics Tuebingen
Classification: Likely benign. Last evaluated: 2025-01-01. Review status: criteria provided, single submitter. Criteria: CeGaT Center For Human Genetics Tuebingen Variant Classification Criteria Version 2. Collection method: clinical testing. Allele origin: germline. Affected: yes. Observed: 3 variant alleles.
Comment: PHLPP1: BP4, BP7

NM_194449.4(PHLPP1):c.84T>G (p.Ala28=)

Gene: PHLPP1 (PH domain and leucine rich repeat protein phosphatase 1; plus strand). Cytogenetic location: 18q21.33.
Variant type: single nucleotide variant.
Coding change: c.84T>G on transcript NM_194449.4 (MANE Select); coding-DNA position 84, T replaced by G.
Protein change: p.Ala28=; no amino-acid change (alanine 28 retained).
Molecular consequence: synonymous variant.
Genome position (GRCh38, 1-based): chr18:62,715,767, T>G. VCF-style: chr18-62715767-T-G. GRCh37 (hg19) VCF-style: chr18-60383000-T-G.
Identifiers: ClinVar variation 2648782 (VCV002648782.24), dbSNP rs1910700067, ClinGen allele CA504306118.